The following is an entry in ClinVar:

ClinVar aggregate classification (germline): Uncertain significance (1 of 4 stars; one submission).

Conditions:
Inborn genetic diseases. Identifiers: MedGen C0950123, MeSH D030342.

Submission:

Ambry Genetics
Classification: Uncertain significance for Inborn genetic diseases. Last evaluated: 2026-05-14. Review status: criteria provided, single submitter. Criteria: Ambry Variant Classification Scheme 2023. Collection method: clinical testing. Allele origin: germline.
Comment: The p.H418N variant (also known as c.1252C>A), located in coding exon 11 of the KDM1A gene, results from a C to A substitution at nucleotide position 1252. The histidine at codon 418 is replaced by asparagine, an amino acid with similar properties. This amino acid position is conserved. In addition, the in silico prediction for this alteration is inconclusive. Based on the available evidence, the clinical significance of this variant remains unclear.

NM_001009999.3(KDM1A):c.1252C>A (p.His418Asn)

Gene: KDM1A (lysine demethylase 1A; plus strand). Cytogenetic location: 1p36.12.
Variant type: single nucleotide variant.
Coding change: c.1252C>A on transcript NM_001009999.3 (MANE Select); coding-DNA position 1252, C replaced by A.
Protein change: p.His418Asn; replaces histidine 418 with asparagine.
Molecular consequence: missense variant.
Genome position (GRCh38, 1-based): chr1:23,068,611, C>A. VCF-style: chr1-23068611-C-A. GRCh37 (hg19) VCF-style: chr1-23395104-C-A.
Other names: c.1180C>A, p.His394Asn (NM_001363654.2, NM_001410763.1, NM_015013.4); c.1240C>A, p.His414Asn (NM_001410762.1); short protein forms H394N, H414N, H418N.
Identifiers: ClinVar variation 4858735 (VCV004858735.1).